The following is an entry in ClinVar:

NM_033305.3(VPS13A):c.2268C>A (p.Phe756Leu)

Gene: VPS13A (vacuolar protein sorting 13 homolog A; plus strand). Cytogenetic location: 9q21.2.
Variant type: single nucleotide variant.
Coding change: c.2268C>A on transcript NM_033305.3 (MANE Select); coding-DNA position 2268, C replaced by A.
Protein change: p.Phe756Leu; replaces phenylalanine 756 with leucine.
Molecular consequence: missense variant.
Genome position (GRCh38, 1-based): chr9:77,252,332, C>A. VCF-style: chr9-77252332-C-A. GRCh37 (hg19) VCF-style: chr9-79867248-C-A.
Other names: c.2268C>A, p.Phe756Leu (NM_001018037.2, NM_001018038.3, NM_015186.4); short protein forms F756L.
Identifiers: ClinVar variation 2199278 (VCV002199278.1), dbSNP rs374107119, ClinGen allele CA194395886.

ClinVar aggregate classification (germline): Uncertain significance (1 of 4 stars; one submission).

Allele frequency attached by ClinVar (database versions not stated): gnomAD 0.00001; TOPMed 0.00003; ESP Exome Variant Server 0.00008.

Submission:

Labcorp Genetics (formerly Invitae), Labcorp
Classification: Uncertain significance. Last evaluated: 2022-07-01. Review status: criteria provided, single submitter. Criteria: Invitae Variant Classification Sherloc (09022015). Collection method: clinical testing. Allele origin: germline.
Comment: This sequence change replaces phenylalanine, which is neutral and non-polar, with leucine, which is neutral and non-polar, at codon 756 of the VPS13A protein (p.Phe756Leu). This variant is present in population databases (rs374107119, gnomAD 0.01%). This variant has not been reported in the literature in individuals affected with VPS13A-related conditions. Algorithms developed to predict the effect of missense changes on protein structure and function (SIFT, PolyPhen-2, Align-GVGD) all suggest that this variant is likely to be tolerated. In summary, the available evidence is currently insufficient to determine the role of this variant in disease. Therefore, it has been classified as a Variant of Uncertain Significance.